The following is an entry in ClinVar:

NM_181336.4(LEMD2):c.188G>T (p.Arg63Leu)

Genes: LEMD2 (LEM domain nuclear envelope protein 2; minus strand), LOC129996186 (ATAC-STARR-seq lymphoblastoid silent region 17057; plus strand). Cytogenetic location: 6p21.31.
Variant type: single nucleotide variant.
Coding change: c.188G>T on transcript NM_181336.4 (MANE Select); coding-DNA position 188, G replaced by T.
Protein change: p.Arg63Leu; replaces arginine 63 with leucine.
Molecular consequence: missense variant. On other transcripts: 5 prime UTR variant (1).
Genome position (GRCh38, 1-based): chr6:33,788,929, C>A on the plus strand (G>T on the coding strand, the complement: LEMD2 is on the minus strand). VCF-style: chr6-33788929-C-A. GRCh37 (hg19) VCF-style: chr6-33756706-C-A.
Other names: c.-325G>T (NM_001348709.2); c.188G>T, p.Arg63Leu (NM_001348710.2); short protein forms R63L.
Identifiers: ClinVar variation 3290453 (VCV003290453.2).
Genomic context (GRCh38, chr6:33,788,929, plus strand): 5'-GGAGAGGCCGCGGCGGGCCGGGCGCGCAGCGGCGCATCCTCGCGTAACCGGGCCTCTTCC[C>A]GTAACCGCTCCTCGCCCCGCGGCCGGGCCTCCTCCCGCAGCCGCTCCTCGTCGCGCAGCC-3'
Protein context (NP_851853.1, residues 53-73): EARPRGEERL[Arg63Leu]EEARLREDAP

ClinVar aggregate classification (germline): Uncertain significance. Review status: criteria provided, multiple submitters, no conflicts (2 of 4 stars). 2 submissions from 2 submitters: Uncertain significance (2). Last evaluated 2025-04-23.

gnomAD v4.1: 2 of 1,491,864 alleles (0.00013%); highest among the groups gnomAD compares: Admixed American, 0.0023%; no homozygotes.

Submissions (2):

Labcorp Genetics (formerly Invitae), Labcorp
Classification: Uncertain significance. Last evaluated: 2025-04-23. Review status: criteria provided, single submitter. Criteria: Invitae Variant Classification Sherloc (09022015). Collection method: clinical testing. Allele origin: germline.
Comment: This sequence change replaces arginine, which is basic and polar, with leucine, which is neutral and non-polar, at codon 63 of the LEMD2 protein (p.Arg63Leu). This variant is not present in population databases (gnomAD no frequency). This variant has not been reported in the literature in individuals affected with LEMD2-related conditions. ClinVar contains an entry for this variant (Variation ID: 3290453). An algorithm developed to predict the effect of missense changes on protein structure and function (PolyPhen-2) suggests that this variant is likely to be tolerated. In summary, the available evidence is currently insufficient to determine the role of this variant in disease. Therefore, it has been classified as a Variant of Uncertain Significance.

Ambry Genetics
Classification: Uncertain significance. Last evaluated: 2024-05-07. Review status: criteria provided, single submitter. Criteria: Ambry Variant Classification Scheme 2023. Collection method: clinical testing. Allele origin: germline.